The following is an entry in ClinVar:

NM_001386298.1(CIC):c.7412C>T (p.Pro2471Leu)

Gene: CIC (capicua transcriptional repressor; plus strand). Cytogenetic location: 19q13.2.
Variant type: single nucleotide variant.
Coding change: c.7412C>T on transcript NM_001386298.1 (MANE Select); coding-DNA position 7412, C replaced by T.
Protein change: p.Pro2471Leu; replaces proline 2471 with leucine.
Molecular consequence: missense variant.
Genome position (GRCh38, 1-based): chr19:42,295,049, C>T. VCF-style: chr19-42295049-C-T. GRCh37 (hg19) VCF-style: chr19-42799201-C-T.
Other names: c.7412C>T, p.Pro2471Leu (NM_001304815.2); c.7409C>T, p.Pro2470Leu (NM_001379480.1, NM_001379482.1); c.4679C>T, p.Pro1560Leu (NM_001379484.1); c.4676C>T, p.Pro1559Leu (NM_001379485.1); c.4685C>T, p.Pro1562Leu (NM_015125.5); short protein forms P1559L, P1560L, P1562L, P2470L, P2471L.
Identifiers: ClinVar variation 1304168 (VCV001304168.2), dbSNP rs2147358689, ClinGen allele CA406125430.

ClinVar aggregate classification (germline): Uncertain significance (1 of 4 stars; one submission).

Allele frequency attached by ClinVar (database versions not stated): gnomAD exomes below 0.00001.
gnomAD v4.1: 3 of 1,543,218 alleles (0.00019%); highest among the groups gnomAD compares: Non-Finnish European, 0.00026%; no homozygotes.

Submission:

GeneDx
Classification: Uncertain significance. Last evaluated: 2019-05-03. Review status: criteria provided, single submitter. Criteria: GeneDx Variant Classification Process June 2021. Collection method: clinical testing. Allele origin: germline. Affected: yes.
Comment: Not observed in large population cohorts (Lek et al., 2016); In silico analysis, which includes protein predictors and evolutionary conservation, supports that this variant does not alter protein structure/function; Has not been previously published as pathogenic or benign to our knowledge